The following is an entry in ClinVar:

NM_007294.4(BRCA1):c.1433C>T (p.Thr478Ile)

Gene: BRCA1 (BRCA1 DNA repair associated; minus strand). Cytogenetic location: 17q21.31.
Variant type: single nucleotide variant.
Coding change: c.1433C>T on transcript NM_007294.4 (MANE Select); coding-DNA position 1433, C replaced by T.
Protein change: p.Thr478Ile; replaces threonine 478 with isoleucine.
Molecular consequence: missense variant. On other transcripts: intron variant (137).
Genome position (GRCh38, 1-based): chr17:43,094,098, G>A on the plus strand (C>T on the coding strand, the complement: BRCA1 is on the minus strand). VCF-style: chr17-43094098-G-A. GRCh37 (hg19) VCF-style: chr17-41246115-G-A.
Other names: c.1433C>T, p.Thr478Ile (NM_001407617.1, NM_001407618.1, NM_001407619.1 and 30 more transcripts); c.1430C>T, p.Thr477Ile (NM_001407636.1, NM_001407637.1, NM_001407638.1 and 22 more transcripts); c.1424C>T, p.Thr475Ile (NM_001407646.1, NM_001407647.1); c.1355C>T, p.Thr452Ile (NM_001407658.1, NM_001407663.1, NM_001407653.1 and 4 more transcripts); c.1352C>T, p.Thr451Ile (NM_001407659.1, NM_001407660.1, NM_001407661.1 and 1 more transcripts); c.1310C>T, p.Thr437Ile (NM_001407664.1, NM_001407665.1, NM_001407666.1 and 19 more transcripts); c.1307C>T, p.Thr436Ile (NM_001407685.1, NM_001407686.1, NM_001407940.1 and 11 more transcripts); c.1220C>T, p.Thr407Ile (NM_001407571.1, NM_001407894.1, NM_001407895.1 and 9 more transcripts); and 40 more; short protein forms T182I, T310I, T350I, T351I, T366I, T367I, T389I, T390I.
Identifiers: ClinVar variation 4867732 (VCV004867732.1).

ClinVar aggregate classification (germline): Uncertain significance (1 of 4 stars; one submission).

Conditions:
Hereditary cancer-predisposing syndrome. Also called: Neoplastic Syndromes, Hereditary; Tumor predisposition; Hereditary Cancer Syndrome; Hereditary neoplastic syndrome. Identifiers: Orphanet 140162, MedGen C0027672, MeSH D009386, MONDO:0015356.

Submission:

Ambry Genetics
Classification: Uncertain significance for Hereditary cancer-predisposing syndrome. Last evaluated: 2026-05-08. Review status: criteria provided, single submitter. Criteria: Ambry Variant Classification Scheme 2023. Collection method: clinical testing. Allele origin: germline.
Comment: The p.T478I variant (also known as c.1433C>T), located in coding exon 9 of the BRCA1 gene, results from a C to T substitution at nucleotide position 1433. The threonine at codon 478 is replaced by isoleucine, an amino acid with similar properties. This amino acid position is not well conserved in available vertebrate species. In addition, the in silico prediction for this alteration is inconclusive. Based on the available evidence, the clinical significance of this variant remains unclear.